The following is an entry in ClinVar:

NM_001035.3(RYR2):c.1631A>G (p.Asn544Ser)

Gene: RYR2 (ryanodine receptor 2; plus strand). Cytogenetic location: 1q43.
Variant type: single nucleotide variant.
Coding change: c.1631A>G on transcript NM_001035.3 (MANE Select); coding-DNA position 1631, A replaced by G.
Protein change: p.Asn544Ser; replaces asparagine 544 with serine.
Molecular consequence: missense variant.
Genome position (GRCh38, 1-based): chr1:237,469,110, A>G. VCF-style: chr1-237469110-A-G. GRCh37 (hg19) VCF-style: chr1-237632410-A-G.
Other names: c.1631A>G (NM_001035.2); short protein forms N544S.
Identifiers: ClinVar variation 2173400 (VCV002173400.5), dbSNP rs2528756767, ClinGen allele CA345383638.
Genomic context (GRCh38, chr1:237,469,110, plus strand): 5'-TAGAAAATCACATAAAGGTGAAATCTATTTCTTCTTTTGCAGCGGCTCTAATTAGAGGAA[A>G]TCGTAAAAACTGTGCTCAATTTTCTGGCTCCCTCGACTGGTTGATCAGCAGATTGGAAAG-3'
Protein context (NP_001026.2, residues 534-554): YELLAALIRG[Asn544Ser]RKNCAQFSGS

ClinVar aggregate classification (germline): Uncertain significance. Review status: criteria provided, multiple submitters, no conflicts (2 of 4 stars). 2 submissions from 2 submitters: Uncertain significance (2). Last evaluated 2024-11-24.

Conditions:
Cardiovascular phenotype. Identifiers: MedGen CN230736.
Catecholaminergic polymorphic ventricular tachycardia 1. Also called: VENTRICULAR TACHYCARDIA, STRESS-INDUCED POLYMORPHIC 1; VENTRICULAR TACHYCARDIA, CATECHOLAMINERGIC POLYMORPHIC, 1, WITH OR WITHOUT ATRIAL DYSFUNCTION AND/OR DILATED CARDIOMYOPATHY; RYR2-Related Catecholaminergic Polymorphic Ventricular Tachycardia. Identifiers: Orphanet 3286, MedGen C1631597, MONDO:0011484, OMIM 604772.

Submissions (2):

Labcorp Genetics (formerly Invitae), Labcorp
Classification: Uncertain significance for Catecholaminergic polymorphic ventricular tachycardia 1. Last evaluated: 2024-11-24. Review status: criteria provided, single submitter. Criteria: Invitae Variant Classification Sherloc (09022015). Collection method: clinical testing. Allele origin: germline.
Comment: This sequence change replaces asparagine, which is neutral and polar, with serine, which is neutral and polar, at codon 544 of the RYR2 protein (p.Asn544Ser). This variant is not present in population databases (gnomAD no frequency). This variant has not been reported in the literature in individuals affected with RYR2-related conditions. ClinVar contains an entry for this variant (Variation ID: 2173400). Invitae Evidence Modeling of protein sequence and biophysical properties (such as structural, functional, and spatial information, amino acid conservation, physicochemical variation, residue mobility, and thermodynamic stability) indicates that this missense variant is expected to disrupt RYR2 protein function with a positive predictive value of 95%. In summary, the available evidence is currently insufficient to determine the role of this variant in disease. Therefore, it has been classified as a Variant of Uncertain Significance.

Ambry Genetics
Classification: Uncertain significance for Cardiovascular phenotype. Last evaluated: 2024-05-17. Review status: criteria provided, single submitter. Criteria: Ambry Variant Classification Scheme 2023. Collection method: clinical testing. Allele origin: germline.
Comment: The p.N544S variant (also known as c.1631A>G), located in coding exon 17 of the RYR2 gene, results from an A to G substitution at nucleotide position 1631. The asparagine at codon 544 is replaced by serine, an amino acid with highly similar properties. This amino acid position is highly conserved in available vertebrate species. In addition, the in silico prediction for this alteration is inconclusive. Based on the available evidence, the clinical significance of this variant remains unclear.